The following is an entry in ClinVar:

NM_000077.5(CDKN2A):c.403G>T (p.Gly135Trp)

Gene: CDKN2A (cyclin dependent kinase inhibitor 2A; minus strand). Cytogenetic location: 9p21.3.
Variant type: single nucleotide variant.
Coding change: c.403G>T on transcript NM_000077.5; coding-DNA position 403, G replaced by T.
Protein change: p.Gly135Trp; replaces glycine 135 with tryptophan.
Molecular consequence: missense variant (on NM_000077.6). On other transcripts: 3 prime UTR variant (2).
Genome position (GRCh38, 1-based): chr9:21,970,956, C>A on the plus strand (G>T on the coding strand, the complement: CDKN2A is on the minus strand). VCF-style: chr9-21970956-C-A. GRCh37 (hg19) VCF-style: chr9-21970955-C-A.
Other names: c.403G>T, p.Gly135Trp (NM_000077.6, NM_001195132.2); c.250G>T, p.Gly84Trp (NM_001363763.2); c.*47G>T (NM_058195.4); c.*326G>T (NM_058197.5); short protein forms G135W, G84W.
Identifiers: ClinVar variation 937971 (VCV000937971.9), dbSNP rs1819686306, ClinGen allele CA373085906.

ClinVar aggregate classification (germline): Uncertain significance (1 of 4 stars; one submission).

Conditions:
Familial melanoma. Also called: Hereditary melanoma; Hereditary cutaneous melanoma. Identifiers: Orphanet 618, MedGen C1512419, MONDO:0018961.

Submission:

Labcorp Genetics (formerly Invitae), Labcorp
Classification: Uncertain significance for Familial melanoma. Last evaluated: 2019-06-16. Review status: criteria provided, single submitter. Criteria: Invitae Variant Classification Sherloc (09022015). Collection method: clinical testing. Allele origin: germline.
Comment: This sequence change replaces glycine with tryptophan at codon 135 of the CDKN2A (p16INK4a) protein (p.Gly135Trp). The glycine residue is highly conserved and there is a large physicochemical difference between glycine and tryptophan. This variant is not present in population databases (ExAC no frequency). This variant has not been reported in the literature in individuals with CDKN2A (p16INK4a)-related conditions. Algorithms developed to predict the effect of missense changes on protein structure and function are either unavailable or do not agree on the potential impact of this missense change (SIFT: "Deleterious"; PolyPhen-2: "Probably Damaging"; Align-GVGD: "Class C15"). In summary, the available evidence is currently insufficient to determine the role of this variant in disease. Therefore, it has been classified as a Variant of Uncertain Significance.